The following is an entry in ClinVar:

ClinVar aggregate classification (germline): Uncertain significance (1 of 4 stars; one submission).

Conditions:
TCF4-related disorder. Also called: TCF4-related condition.

Submission:

PreventionGenetics, part of Exact Sciences
Classification: Uncertain significance for TCF4-related condition. Last evaluated: 2025-03-17. Review status: criteria provided, single submitter. Criteria: ACMG Guidelines, 2015. Collection method: clinical testing. Allele origin: germline.
Comment: The TCF4 c.146A>T variant is predicted to result in the amino acid substitution p.Asn49Ile. To our knowledge, this variant has not been reported in the literature or in a large population database (gnomAD), indicating this variant is rare. At this time, the clinical significance of this variant is uncertain due to the absence of conclusive functional and genetic evidence.

NM_001083962.2(TCF4):c.146A>T (p.Asn49Ile)

Genes: TCF4 (transcription factor 4; minus strand), TCF4-AS1 (TCF4 antisense RNA 1; plus strand). Cytogenetic location: 18q21.2.
Variant type: single nucleotide variant.
Coding change: c.146A>T on transcript NM_001083962.2 (MANE Select); coding-DNA position 146, A replaced by T.
Protein change: p.Asn49Ile; replaces asparagine 49 with isoleucine.
Molecular consequence: missense variant.
Genome position (GRCh38, 1-based): chr18:55,464,137, T>A on the plus strand (A>T on the coding strand, the complement: TCF4 is on the minus strand). VCF-style: chr18-55464137-T-A. GRCh37 (hg19) VCF-style: chr18-53131368-T-A.
Other names: c.452A>T, p.Asn151Ile (NM_001243226.3); c.74A>T, p.Asn25Ile (NM_001243227.2, NM_001306207.1, NM_001348217.1 and 15 more transcripts); c.146A>T, p.Asn49Ile (NM_001243228.2, NM_001330604.3, NM_001369567.1 and 8 more transcripts); c.140A>T, p.Asn47Ile (NM_001243230.2); c.20A>T, p.Asp7Val (NM_001243231.2, NM_001348211.2); short protein forms D7V, N25I, N151I, N47I, N49I.
Identifiers: ClinVar variation 5001196 (VCV005001196.1).